The following is an entry in ClinVar:

NM_021035.3(ZNFX1):c.4966_4969delinsTC (p.Glu1656fs)

Gene: ZNFX1 (zinc finger NFX1-type containing 1; minus strand). Cytogenetic location: 20q13.13.
Variant type: Indel.
Coding change: c.4966_4969delinsTC on transcript NM_021035.3 (MANE Select); coding-DNA positions 4966 to 4969, GAAA replaced by TC.
Protein change: p.Glu1656fs; shifts the reading frame from glutamic acid 1656.
Molecular consequence: frameshift variant.
Genome position (GRCh38, 1-based): chr20:49,248,055-49,248,058, TTTC replaced by GA on the plus strand (GAAA replaced by TC on the coding strand, the reverse complement: ZNFX1 is on the minus strand). VCF-style: chr20-49248055-TTTC-GA. GRCh37 (hg19) VCF-style: chr20-47864592-TTTC-GA.
Other names: short protein forms E1656fs.
Identifiers: ClinVar variation 3778725 (VCV003778725.1).

ClinVar aggregate classification (germline): Likely pathogenic (1 of 4 stars; one submission).

Conditions:
Immunodeficiency 91 and hyperinflammation. Identifiers: MedGen C5562073, MONDO:0030491, OMIM 619644.

Submission:

Institute of Human Genetics, University of Leipzig Medical Center
Classification: Likely pathogenic for Immunodeficiency 91 and hyperinflammation. Last evaluated: 2025-03-07. Review status: criteria provided, single submitter. Criteria: ACMG Guidelines, 2015. Collection method: clinical testing. Allele origin: unknown. Inheritance: Autosomal recessive inheritance. Affected: yes.
Comment: Criteria applied: PVS1_STR,PM2,PM3_SUP